The following is an entry in ClinVar:

ClinVar aggregate classification (germline): Uncertain significance (1 of 4 stars; one submission).

Conditions:
Myofibrillar myopathy 4. Also called: Zaspopathy (type). Identifiers: Orphanet 98912, MedGen C4721886, MONDO:0012277, OMIM 609452.

Submission:

Labcorp Genetics (formerly Invitae), Labcorp
Classification: Uncertain significance for Myofibrillar myopathy 4. Last evaluated: 2025-09-03. Review status: criteria provided, single submitter. Criteria: Invitae Variant Classification Sherloc (09022015). Collection method: clinical testing. Allele origin: germline.
Comment: This sequence change falls in intron 2 of the LDB3 gene. It does not directly change the encoded amino acid sequence of the LDB3 protein. This variant is not present in population databases (gnomAD no frequency). This variant has not been reported in the literature in individuals affected with LDB3-related conditions. ClinVar contains an entry for this variant (Variation ID: 2694447). Algorithms developed to predict the effect of sequence changes on RNA splicing suggest that this variant may disrupt the consensus splice site. In summary, the available evidence is currently insufficient to determine the role of this variant in disease. Therefore, it has been classified as a Variant of Uncertain Significance.

NM_007078.3(LDB3):c.246-11G>A

Gene: LDB3 (LIM domain binding 3; plus strand). Cytogenetic location: 10q23.2.
Variant type: single nucleotide variant.
Coding change: c.246-11G>A on transcript NM_007078.3 (MANE Select); 11 bases into the intron before coding-DNA position 246, G replaced by A.
Molecular consequence: intron variant.
Genome position (GRCh38, 1-based): chr10:86,680,071, G>A. VCF-style: chr10-86680071-G-A. GRCh37 (hg19) VCF-style: chr10-88439828-G-A.
Other names: c.246-11G>A (NM_001368064.1, NM_001368063.1, NM_001368068.1 and 8 more transcripts).
Identifiers: ClinVar variation 2694447 (VCV002694447.3), dbSNP rs2492572122, ClinGen allele CA2574454808.